The following is an entry in ClinVar:

ClinVar aggregate classification (germline): Uncertain significance (1 of 4 stars; one submission).

Submission:

Labcorp Genetics (formerly Invitae), Labcorp
Classification: Uncertain significance. Last evaluated: 2022-10-27. Review status: criteria provided, single submitter. Criteria: Invitae Variant Classification Sherloc (09022015). Collection method: clinical testing. Allele origin: germline.
Comment: In summary, the available evidence is currently insufficient to determine the role of this variant in disease. Therefore, it has been classified as a Variant of Uncertain Significance. Variants that disrupt the consensus splice site are a relatively common cause of aberrant splicing (PMID: 17576681, 9536098). Algorithms developed to predict the effect of sequence changes on RNA splicing suggest that this variant may disrupt the consensus splice site. This variant has not been reported in the literature in individuals affected with CSF2RB-related conditions. This variant is not present in population databases (gnomAD no frequency). This sequence change falls in intron 11 of the CSF2RB gene. It does not directly change the encoded amino acid sequence of the CSF2RB protein. It affects a nucleotide within the consensus splice site.

Literature cited by the submitters: PubMed 17576681; PubMed 9536098.

NM_000395.3(CSF2RB):c.1406+3G>A

Gene: CSF2RB (colony stimulating factor 2 receptor subunit beta; plus strand). Cytogenetic location: 22q12.3.
Variant type: single nucleotide variant.
Coding change: c.1406+3G>A on transcript NM_000395.3 (MANE Select); 3 bases into the intron after coding-DNA position 1406, G replaced by A.
Molecular consequence: intron variant.
Genome position (GRCh38, 1-based): chr22:36,935,444, G>A. VCF-style: chr22-36935444-G-A. GRCh37 (hg19) VCF-style: chr22-37331486-G-A.
Other names: c.1424+3G>A (NM_001410827.1).
Identifiers: ClinVar variation 2810286 (VCV002810286.3), dbSNP rs2518002817, ClinGen allele CA514371714.